The following is an entry in ClinVar:

NC_000002.11:g.(?_227912171)_(227915894_?)del

Gene: COL4A4 (collagen type IV alpha 4 chain; minus strand). Cytogenetic location: 2q36.3.
Variant type: Deletion.
Identifiers: ClinVar variation 3247453 (VCV003247453.1).

ClinVar aggregate classification (germline): Pathogenic (1 of 4 stars; one submission).

Submission:

Labcorp Genetics (formerly Invitae), Labcorp
Classification: Pathogenic. Last evaluated: 2023-09-10. Review status: criteria provided, single submitter. Criteria: Invitae Variant Classification Sherloc (09022015). Collection method: clinical testing. Allele origin: unknown.
Comment: For these reasons, this variant has been classified as Pathogenic. This variant disrupts a region of the COL4A4 protein in which other variant(s) (p.Gly1091Arg) have been determined to be pathogenic (Invitae). This suggests that this is a clinically significant region of the protein, and that variants that disrupt it are likely to be disease-causing. This variant has not been reported in the literature in individuals affected with COL4A4-related conditions. This variant is a gross deletion of the genomic region encompassing exon(s) 33-35 of the COL4A4 gene. This variant would be expected to be in-frame, preserving the integrity of the reading frame.